The following is an entry in ClinVar:

NM_020821.3(VPS13C):c.4536+1G>A

Gene: VPS13C (vacuolar protein sorting 13 homolog C; minus strand). Cytogenetic location: 15q22.2.
Variant type: single nucleotide variant.
Coding change: c.4536+1G>A on transcript NM_020821.3 (MANE Select); the canonical splice donor site of the intron after coding-DNA position 4536, G replaced by A.
Molecular consequence: splice donor variant.
Genome position (GRCh38, 1-based): chr15:61,950,944, C>T on the plus strand (G>A on the coding strand, the complement: VPS13C is on the minus strand). VCF-style: chr15-61950944-C-T. GRCh37 (hg19) VCF-style: chr15-62243143-C-T.
Other names: c.4407+1G>A (NM_017684.5, NM_018080.4); c.4536+1G>A (NM_001018088.3).
Identifiers: ClinVar variation 2097709 (VCV002097709.4), dbSNP rs1371538832, ClinGen allele CA392695429.
Genomic context (GRCh38, chr15:61,950,944, plus strand): 5'-TAAGGGTAATATAACTTCATATATTCAAATATTAAAGAATCCTAGAAATGAAACTAGTTA[C>T]CTTTGTCAGTAACATTTTCAGAAGGGGTTCGTCAGTCACATTAGAAGAGTTAATAATGTG-3'

ClinVar aggregate classification (germline): Likely pathogenic (1 of 4 stars; one submission).

Allele frequency attached by ClinVar (database versions not stated): gnomAD exomes below 0.00001.

Submission:

Labcorp Genetics (formerly Invitae), Labcorp
Classification: Likely pathogenic. Last evaluated: 2024-04-22. Review status: criteria provided, single submitter. Criteria: Invitae Variant Classification Sherloc (09022015). Collection method: clinical testing. Allele origin: germline.
Comment: This sequence change affects a donor splice site in intron 40 of the VPS13C gene. It is expected to disrupt RNA splicing. Variants that disrupt the donor or acceptor splice site typically lead to a loss of protein function (PMID: 16199547), and loss-of-function variants in VPS13C are known to be pathogenic (PMID: 26942284, 34875562). The frequency data for this variant in the population databases is considered unreliable, as metrics indicate poor data quality at this position in the gnomAD database. This variant has not been reported in the literature in individuals affected with VPS13C-related conditions. ClinVar contains an entry for this variant (Variation ID: 2097709). Algorithms developed to predict the effect of sequence changes on RNA splicing suggest that this variant may disrupt the consensus splice site. In summary, the currently available evidence indicates that the variant is pathogenic, but additional data are needed to prove that conclusively. Therefore, this variant has been classified as Likely Pathogenic.

Literature cited by the submitters: PubMed 16199547; PubMed 26942284; PubMed 34875562.